The following is an entry in ClinVar:

NM_001376571.1(MADD):c.2754T>C (p.Ile918=)

Gene: MADD (MAP kinase activating death domain; plus strand). Cytogenetic location: 11p11.2.
Variant type: single nucleotide variant.
Coding change: c.2754T>C on transcript NM_001376571.1 (MANE Select); coding-DNA position 2754, T replaced by C.
Protein change: p.Ile918=; no amino-acid change (isoleucine 918 retained).
Molecular consequence: synonymous variant. On other transcripts: non-coding transcript variant (7), intron variant (1).
Genome position (GRCh38, 1-based): chr11:47,289,431, T>C. VCF-style: chr11-47289431-T-C. GRCh37 (hg19) VCF-style: chr11-47310982-T-C.
Other names: c.2565T>C, p.Ile855= (NM_001135943.2, NM_001135944.2, NM_001376585.1 and 20 more transcripts); c.2754T>C, p.Ile918= (NM_001376572.1, NM_001376573.1, NM_001376574.1 and 11 more transcripts); c.2694T>C, p.Ile898= (NM_001376575.1, NM_001376576.1, NM_001376577.1 and 13 more transcripts); c.2667T>C, p.Ile889= (NM_001376578.1, NM_001376631.1); c.2625T>C, p.Ile875= (NM_001376581.1, NM_001376582.1, NM_001376586.1 and 15 more transcripts); c.2592T>C, p.Ile864= (NM_001376583.1, NM_001376611.1, NM_001376613.1 and 1 more transcripts); c.2601T>C, p.Ile867= (NM_001376602.1); c.2490T>C, p.Ile830= (NM_001376620.1, NM_001376657.1); and 8 more.
Identifiers: ClinVar variation 3042129 (VCV003042129.4), dbSNP rs571747445, ClinGen allele CA5974562.

ClinVar aggregate classification (germline): Benign/Likely benign. Review status: criteria provided, multiple submitters, no conflicts (2 of 4 stars). 3 submissions from 3 submitters: Benign (1); Likely benign (1). 1 of the submissions does not count toward it. Last evaluated 2026-06-01.

Conditions:
MADD-related disorder. Also called: MADD-related condition; MADD-Related Disorders.

Allele frequency attached by ClinVar (database versions not stated): TOPMed 0.00009; gnomAD 0.00048; gnomAD exomes 0.00089; 1000 Genomes Project 30x 0.00219; ExAC 0.00219; 1000 Genomes Project 0.00280.
gnomAD v4.1: 1,366 of 1,614,200 alleles (0.085%); highest among the groups gnomAD compares: South Asian, 1.4%; 24 homozygotes.

Submissions (3):

CeGaT Center for Human Genetics Tuebingen
Classification: Benign. Last evaluated: 2026-06-01. Review status: criteria provided, single submitter. Criteria: CeGaT Center For Human Genetics Tuebingen Variant Classification Criteria Version 2. Collection method: clinical testing. Allele origin: germline. Affected: yes. Observed: 1 variant allele.
Comment: MADD: BP4, BS1, BS2

Blueprint Genetics
Classification: Likely benign. Last evaluated: 2024-11-18. Review status: criteria provided, single submitter. Criteria: ACMG Guidelines, 2015. Collection method: clinical testing. Allele origin: germline.

PreventionGenetics, part of Exact Sciences
Classification: Benign for MADD-related condition. Last evaluated: 2019-06-27. Review status: no assertion criteria provided. Collection method: clinical testing. Allele origin: germline. Not counted in ClinVar's aggregate classification.
Comment: This variant is classified as benign based on ACMG/AMP sequence variant interpretation guidelines (Richards et al. 2015 PMID: 25741868, with internal and published modifications).